The following is an entry in ClinVar:

NM_014797.3(ZBTB24):c.22C>G (p.Pro8Ala)

Gene: ZBTB24 (zinc finger and BTB domain containing 24; minus strand). Cytogenetic location: 6q21.
Variant type: single nucleotide variant.
Coding change: c.22C>G on transcript NM_014797.3 (MANE Select); coding-DNA position 22, C replaced by G.
Protein change: p.Pro8Ala; replaces proline 8 with alanine.
Molecular consequence: missense variant.
Genome position (GRCh38, 1-based): chr6:109,482,005, G>C on the plus strand (C>G on the coding strand, the complement: ZBTB24 is on the minus strand). VCF-style: chr6-109482005-G-C. GRCh37 (hg19) VCF-style: chr6-109803208-G-C.
Other names: c.22C>G, p.Pro8Ala (NM_001164313.2); short protein forms P8A.
Identifiers: ClinVar variation 2170269 (VCV002170269.1), dbSNP rs1275876485, ClinGen allele CA365212781.

ClinVar aggregate classification (germline): Uncertain significance (1 of 4 stars; one submission).

Conditions:
Immunodeficiency-centromeric instability-facial anomalies syndrome 2 (ICF2). Identifiers: Orphanet 2268, MedGen C3279748, MONDO:0013553, OMIM 614069.

Allele frequency attached by ClinVar (database versions not stated): gnomAD exomes 0.00003.
gnomAD v4.1: 37 of 1,614,188 alleles (0.0023%); highest among the groups gnomAD compares: Non-Finnish European, 0.0031%; no homozygotes.

Submission:

Labcorp Genetics (formerly Invitae), Labcorp
Classification: Uncertain significance for Immunodeficiency-centromeric instability-facial anomalies syndrome 2. Last evaluated: 2022-04-20. Review status: criteria provided, single submitter. Criteria: Invitae Variant Classification Sherloc (09022015). Collection method: clinical testing. Allele origin: germline.
Comment: This sequence change replaces proline, which is neutral and non-polar, with alanine, which is neutral and non-polar, at codon 8 of the ZBTB24 protein (p.Pro8Ala). This variant is present in population databases (no rsID available, gnomAD 0.0009%). This variant has not been reported in the literature in individuals affected with ZBTB24-related conditions. Algorithms developed to predict the effect of missense changes on protein structure and function output the following: SIFT: "Not Available"; PolyPhen-2: "Benign"; Align-GVGD: "Not Available". The alanine amino acid residue is found in multiple mammalian species, which suggests that this missense change does not adversely affect protein function. In summary, the available evidence is currently insufficient to determine the role of this variant in disease. Therefore, it has been classified as a Variant of Uncertain Significance.